The following is an entry in ClinVar:

NM_001089.3(ABCA3):c.2973G>C (p.Gln991His)

Gene: ABCA3 (ATP binding cassette subfamily A member 3; minus strand). Cytogenetic location: 16p13.3.
Variant type: single nucleotide variant.
Coding change: c.2973G>C on transcript NM_001089.3 (MANE Select); coding-DNA position 2973, G replaced by C.
Protein change: p.Gln991His; replaces glutamine 991 with histidine.
Molecular consequence: missense variant.
Genome position (GRCh38, 1-based): chr16:2,288,057, C>G on the plus strand (G>C on the coding strand, the complement: ABCA3 is on the minus strand). VCF-style: chr16-2288057-C-G. GRCh37 (hg19) VCF-style: chr16-2338058-C-G.
Other names: short protein forms Q991H.
Identifiers: ClinVar variation 3625014 (VCV003625014.2).

ClinVar aggregate classification (germline): Uncertain significance (1 of 4 stars; one submission).

gnomAD v4.1: 14 of 1,611,680 alleles (0.00087%); highest among the groups gnomAD compares: Admixed American, 0.013%; no homozygotes.

Submission:

Labcorp Genetics (formerly Invitae), Labcorp
Classification: Uncertain significance. Last evaluated: 2025-10-01. Review status: criteria provided, single submitter. Criteria: Invitae Variant Classification Sherloc (09022015). Collection method: clinical testing. Allele origin: germline.
Comment: This sequence change replaces glutamine, which is neutral and polar, with histidine, which is basic and polar, at codon 991 of the ABCA3 protein (p.Gln991His). This variant is present in population databases (rs775337404, gnomAD 0.02%). This variant has not been reported in the literature in individuals affected with ABCA3-related conditions. ClinVar contains an entry for this variant (Variation ID: 3625014). Invitae Evidence Modeling of protein sequence and biophysical properties (such as structural, functional, and spatial information, amino acid conservation, physicochemical variation, residue mobility, and thermodynamic stability) indicates that this missense variant is not expected to disrupt ABCA3 protein function with a negative predictive value of 80%. In summary, the available evidence is currently insufficient to determine the role of this variant in disease. Therefore, it has been classified as a Variant of Uncertain Significance.